The following is an entry in ClinVar:

ClinVar aggregate classification (germline): Uncertain significance. Review status: criteria provided, multiple submitters, no conflicts (2 of 4 stars). 3 submissions from 3 submitters: Uncertain significance (3). Last evaluated 2025-10-02.

Conditions:
Hypertrophic cardiomyopathy. Also called: HYPERTROPHIC MYOCARDIOPATHY. Identifiers: Orphanet 217569, MedGen C0007194, MeSH D002312, MONDO:0005045, HP:0001639.

Allele frequency attached by ClinVar (database versions not stated): gnomAD 0.00001; gnomAD exomes 0.00001; TOPMed 0.00002.
gnomAD v4.1: 16 of 1,613,026 alleles (0.00099%); highest among the groups gnomAD compares: Middle Eastern, 0.016%; no homozygotes.

Submissions (3):

Ambry Genetics
Classification: Uncertain significance. Last evaluated: 2025-10-02. Review status: criteria provided, single submitter. Criteria: Ambry Variant Classification Scheme 2023. Collection method: clinical testing. Allele origin: germline.

Labcorp Genetics (formerly Invitae), Labcorp
Classification: Uncertain significance for Hypertrophic cardiomyopathy. Last evaluated: 2025-02-12. Review status: criteria provided, single submitter. Criteria: Invitae Variant Classification Sherloc (09022015). Collection method: clinical testing. Allele origin: germline.
Comment: This sequence change replaces alanine, which is neutral and non-polar, with valine, which is neutral and non-polar, at codon 1135 of the MYOM1 protein (p.Ala1135Val). This variant is not present in population databases (gnomAD no frequency). This variant has not been reported in the literature in individuals affected with MYOM1-related conditions. ClinVar contains an entry for this variant (Variation ID: 1980985). Invitae Evidence Modeling of protein sequence and biophysical properties (such as structural, functional, and spatial information, amino acid conservation, physicochemical variation, residue mobility, and thermodynamic stability) indicates that this missense variant is not expected to disrupt MYOM1 protein function with a negative predictive value of 80%. In summary, the available evidence is currently insufficient to determine the role of this variant in disease. Therefore, it has been classified as a Variant of Uncertain Significance.

Clinical Genomics Laboratory, Washington University in St. Louis
Classification: Uncertain significance. Last evaluated: 2024-07-02. Review status: criteria provided, single submitter. Criteria: ACMG Guidelines, 2015. Collection method: clinical testing. Allele origin: germline.
Comment: A missense MYOM1 c.3404C>T (p.Ala1135Val) variant was identified in a heterozygous state. This variant, to our knowledge, has not been reported in the medical literature and is absent from the general population (gnomAD v.2.1.1), indicating it is not a common variant. The MYOM1 c.3404C>T (p.Ala1135Val) variant has been reported in the ClinVar database as a germline variant of uncertain significance by two submitters(Variation ID: 1980985). Computational predictors suggest that the variant does not impact MYOM1 function. Due to limited information, the clinical significance of this variant is uncertain.

NM_003803.4(MYOM1):c.3404C>T (p.Ala1135Val)

Gene: MYOM1 (myomesin 1; minus strand). Cytogenetic location: 18p11.31.
Variant type: single nucleotide variant.
Coding change: c.3404C>T on transcript NM_003803.4 (MANE Select); coding-DNA position 3404, C replaced by T.
Protein change: p.Ala1135Val; replaces alanine 1135 with valine.
Molecular consequence: missense variant.
Genome position (GRCh38, 1-based): chr18:3,112,312, G>A on the plus strand (C>T on the coding strand, the complement: MYOM1 is on the minus strand). VCF-style: chr18-3112312-G-A. GRCh37 (hg19) VCF-style: chr18-3112310-G-A.
Other names: c.3116C>T, p.Ala1039Val (NM_019856.2); short protein forms A1135V, A1039V.
Identifiers: ClinVar variation 1980985 (VCV001980985.8), dbSNP rs1170863353, ClinGen allele CA401704594.